The following is an entry in ClinVar:

ClinVar aggregate classification (germline): Pathogenic/Likely pathogenic. Review status: criteria provided, multiple submitters, no conflicts (2 of 4 stars). 4 submissions from 4 submitters: Pathogenic (2); Likely pathogenic (1). 1 of the submissions does not count toward it. Last evaluated 2025-08-06.

Conditions:
Mucopolysaccharidosis, MPS-III-B (MPS3B). Also called: MPS III B; MPS IIIB (Sanfilippo Syndrome Type B); MUCOPOLYSACCHARIDOSIS, TYPE IIIB; Mucopolysaccharidosis type IIIB (Sanfilippo B); N-ACETYL-ALPHA-D-GLUCOSAMINIDASE DEFICIENCY; NAGLU DEFICIENCY. Identifiers: Orphanet 79270, MedGen C0086648, MONDO:0009656, OMIM 252920.
Charcot-Marie-Tooth disease axonal type 2V. Also called: CHARCOT-MARIE-TOOTH NEUROPATHY, TYPE 2V; CHARCOT-MARIE-TOOTH DISEASE, AXONAL, AUTOSOMAL DOMINANT, TYPE 2V. Identifiers: Orphanet 447964, MedGen C5569050, MONDO:0014665, OMIM 616491.

Allele frequency attached by ClinVar (database versions not stated): gnomAD exomes below 0.00001.

Submissions (4):

Natera, Inc.
Classification: Likely pathogenic for Mucopolysaccharidosis type IIIB. Last evaluated: 2025-08-06. Review status: criteria provided, single submitter. Criteria: Natera Variant Classification Schema (03/2026). Collection method: clinical testing. Allele origin: germline.
Comment: The c.4G>T variant in NAGLU is a nonsense variant predicted to introduce a stop codon at amino acid 2. This variant is expected to result in nonsense mediated decay, truncation, or a dysfunctional protein product. This variant is rare in the general population with a frequency below the threshold expected for the associated phenotype(s). Given the available evidence, this variant is classified as Likely Pathogenic.

Labcorp Genetics (formerly Invitae), Labcorp
Classification: Pathogenic for Charcot-Marie-Tooth disease axonal type 2V; Mucopolysaccharidosis, MPS-III-B. Last evaluated: 2024-03-13. Review status: criteria provided, single submitter. Criteria: Invitae Variant Classification Sherloc (09022015). Collection method: clinical testing. Allele origin: germline.
Comment: This sequence change creates a premature translational stop signal (p.Glu2*) in the NAGLU gene. It is expected to result in an absent or disrupted protein product. Loss-of-function variants in NAGLU are known to be pathogenic (PMID: 9832037, 10094189, 16151907). This variant is not present in population databases (gnomAD no frequency). This variant has not been reported in the literature in individuals affected with NAGLU-related conditions. ClinVar contains an entry for this variant (Variation ID: 551575). For these reasons, this variant has been classified as Pathogenic.

Juno Genomics, Hangzhou Juno Genomics, Inc
Classification: Pathogenic for Mucopolysaccharidosis, MPS-III-B. Review status: criteria provided, single submitter. Criteria: ACMG Guidelines, 2015. Collection method: clinical testing. Allele origin: germline. Affected: yes.
Comment: Absent from controls (or at extremely low frequency if recessive) in Genome Aggregation Database.;Null variant in a gene where loss of function (LOF) is a known mechanism of disease.;For recessive disorders, detected in trans with a pathogenic variant.

Counsyl
Classification: Likely pathogenic for Mucopolysaccharidosis, MPS-III-B. Last evaluated: 2017-04-18. Review status: no assertion criteria provided. Collection method: clinical testing. Allele origin: unknown. Not counted in ClinVar's aggregate classification.

Literature cited by the submitters: PubMed 9832037 (cited by Labcorp Genetics (formerly Invitae), Labcorp); PubMed 10094189 (cited by Labcorp Genetics (formerly Invitae), Labcorp); PubMed 16151907 (cited by Labcorp Genetics (formerly Invitae), Labcorp).

NM_000263.4(NAGLU):c.4G>T (p.Glu2Ter)

Genes: NAGLU (N-acetyl-alpha-glucosaminidase; plus strand), LOC130060903 (ATAC-STARR-seq lymphoblastoid silent region 8533; plus strand). Cytogenetic location: 17q21.2.
Variant type: single nucleotide variant.
Coding change: c.4G>T on transcript NM_000263.4 (MANE Select); coding-DNA position 4, G replaced by T.
Protein change: p.Glu2Ter; replaces glutamic acid 2 with a stop codon.
Molecular consequence: nonsense.
Genome position (GRCh38, 1-based): chr17:42,536,276, G>T. VCF-style: chr17-42536276-G-T. GRCh37 (hg19) VCF-style: chr17-40688294-G-T.
Other names: short protein forms E2*.
Identifiers: ClinVar variation 551575 (VCV000551575.10), dbSNP rs1555621397, ClinGen allele CA399594833.
Genomic context (GRCh38, chr17:42,536,276, plus strand): 5'-GATTGGACGCGGGCCGCCCCACCCCCTGGCCGTCGCGGGACCCGCAGGACTGAGACCATG[G>T]AGGCGGTGGCGGTGGCCGCGGCGGTGGGGGTCCTTCTCCTGGCCGGGGCCGGGGGCGCGG-3'